The following is an entry in ClinVar:

ClinVar aggregate classification (germline): Conflicting classifications of pathogenicity. Review status: criteria provided, conflicting classifications (1 of 4 stars). 4 submissions from 4 submitters: Uncertain significance (1); Likely benign (2). 1 of the submissions does not count toward it. Last evaluated 2026-01-13.

Conditions:
SLC27A5-related disorder. Also called: SLC27A5-related condition.

Allele frequency attached by ClinVar (database versions not stated): 1000 Genomes Project 0.00120; 1000 Genomes Project 30x 0.00125; ESP Exome Variant Server 0.00131; gnomAD 0.00166 and 0.00173; gnomAD exomes 0.00170 and 0.00220; ExAC 0.00173; TOPMed 0.00184.
gnomAD v4.1: 3,483 of 1,614,112 alleles (0.22%); highest among the groups gnomAD compares: Non-Finnish European, 0.26%; 6 homozygotes.

Submissions (4):

Labcorp Genetics (formerly Invitae), Labcorp
Classification: Likely benign. Last evaluated: 2026-01-13. Review status: criteria provided, single submitter. Criteria: Invitae Variant Classification Sherloc (09022015). Collection method: clinical testing. Allele origin: germline.

Mayo Clinic Laboratories, Mayo Clinic
Classification: Uncertain significance. Last evaluated: 2023-05-02. Review status: criteria provided, single submitter. Criteria: ACMG Guidelines, 2015. Collection method: clinical testing. Allele origin: germline. Observed: 2 variant alleles.

Eurofins Ntd Llc (ga)
Classification: Likely benign. Last evaluated: 2017-01-31. Review status: criteria provided, single submitter. Criteria: EGL Classification Definitions 2015. Collection method: clinical testing. Allele origin: germline. Observed: 6 variant alleles, 6 heterozygotes.

PreventionGenetics, part of Exact Sciences
Classification: Likely benign for SLC27A5-related condition. Last evaluated: 2022-02-24. Review status: no assertion criteria provided. Collection method: clinical testing. Allele origin: germline. Not counted in ClinVar's aggregate classification.
Comment: This variant is classified as likely benign based on ACMG/AMP sequence variant interpretation guidelines (Richards et al. 2015 PMID: 25741868, with internal and published modifications).

NM_012254.3(SLC27A5):c.1229G>A (p.Gly410Glu)

Gene: SLC27A5 (solute carrier family 27 member 5; minus strand). Cytogenetic location: 19q13.43.
Variant type: single nucleotide variant.
Coding change: c.1229G>A on transcript NM_012254.3 (MANE Select); coding-DNA position 1229, G replaced by A.
Protein change: p.Gly410Glu; replaces glycine 410 with glutamic acid.
Molecular consequence: missense variant.
Genome position (GRCh38, 1-based): chr19:58,500,660, C>T on the plus strand (G>A on the coding strand, the complement: SLC27A5 is on the minus strand). VCF-style: chr19-58500660-C-T. GRCh37 (hg19) VCF-style: chr19-59012027-C-T.
Other names: p.Gly410Glu; c.977G>A, p.Gly326Glu (NM_001321196.2); c.1229G>A (NM_012254.2); short protein forms G410E, G326E.
Identifiers: ClinVar variation 289260 (VCV000289260.12), dbSNP rs149709084, ClinGen allele CA9718052.